The following is an entry in ClinVar:

NM_001128225.3(SLC39A13):c.1094T>C (p.Leu365Pro)

Gene: SLC39A13 (solute carrier family 39 member 13; plus strand). Cytogenetic location: 11p11.2.
Variant type: single nucleotide variant.
Coding change: c.1094T>C on transcript NM_001128225.3 (MANE Select); coding-DNA position 1094, T replaced by C.
Protein change: p.Leu365Pro; replaces leucine 365 with proline.
Molecular consequence: missense variant. On other transcripts: 3 prime UTR variant (1), non-coding transcript variant (1).
Genome position (GRCh38, 1-based): chr11:47,415,341, T>C. VCF-style: chr11-47415341-T-C. GRCh37 (hg19) VCF-style: chr11-47436892-T-C.
Other names: c.*91T>C (NM_001330245.2); c.1073T>C, p.Leu358Pro (NM_152264.5); short protein forms L365P, L358P.
Identifiers: ClinVar variation 849736 (VCV000849736.10), dbSNP rs2096021765, ClinGen allele CA380315571.
Genomic context (GRCh38, chr11:47,415,341, plus strand): 5'-CCCACAGGCGCTCCCTGCAGCAGCTGCTTCTGCTCTGTGCGGGCATCGTGGTAATGGTGC[T>C]GTTCTCGCTCTTCGTGGATTAACTTTCCCTGATGCCGACGCCCCTGCCCCCTGCAGCAAT-3'
Protein context (NP_001121697.2, residues 355-371): LLCAGIVVMV[Leu365Pro]FSLFVD

ClinVar aggregate classification (germline): Uncertain significance (1 of 4 stars; one submission).

Conditions:
Ehlers-Danlos syndrome, spondylodysplastic type, 3. Also called: Ehlers-Danlos syndrome, spondylocheirodysplastic type. Identifiers: Orphanet 157965, MedGen C2676510, MONDO:0012873, OMIM 612350.

Allele frequency attached by ClinVar (database versions not stated): gnomAD exomes below 0.00001.
gnomAD v4.1: 1 of 1,614,142 alleles (0.000062%); highest among the groups gnomAD compares: Non-Finnish European, 0.000085%; no homozygotes.

Submission:

Labcorp Genetics (formerly Invitae), Labcorp
Classification: Uncertain significance for Ehlers-Danlos syndrome, spondylodysplastic type, 3. Last evaluated: 2019-11-19. Review status: criteria provided, single submitter. Criteria: Invitae Variant Classification Sherloc (09022015). Collection method: clinical testing. Allele origin: germline.
Comment: In summary, the available evidence is currently insufficient to determine the role of this variant in disease. Therefore, it has been classified as a Variant of Uncertain Significance. Algorithms developed to predict the effect of missense changes on protein structure and function are either unavailable or do not agree on the potential impact of this missense change (SIFT: "Deleterious"; PolyPhen-2: "Probably Damaging"; Align-GVGD: "Class C15"). This variant has not been reported in the literature in individuals with SLC39A13-related conditions. This variant is not present in population databases (ExAC no frequency). This sequence change replaces leucine with proline at codon 358 of the SLC39A13 protein (p.Leu358Pro). The leucine residue is moderately conserved and there is a moderate physicochemical difference between leucine and proline.